The following is an entry in ClinVar:

NM_001099287.2(NIPAL4):c.139C>T (p.Gln47Ter)

Gene: NIPAL4 (NIPA like domain containing 4; plus strand). Cytogenetic location: 5q33.3.
Variant type: single nucleotide variant.
Coding change: c.139C>T on transcript NM_001099287.2 (MANE Select); coding-DNA position 139, C replaced by T.
Protein change: p.Gln47Ter; replaces glutamine 47 with a stop codon.
Molecular consequence: nonsense.
Genome position (GRCh38, 1-based): chr5:157,463,195, C>T. VCF-style: chr5-157463195-C-T. GRCh37 (hg19) VCF-style: chr5-156890203-C-T.
Other names: c.139C>T, p.Gln47Ter (NM_001172292.2); short protein forms Q47*.
Identifiers: ClinVar variation 2693241 (VCV002693241.3), dbSNP rs2532888517, ClinGen allele CA361980103.

ClinVar aggregate classification (germline): Pathogenic (1 of 4 stars; one submission).

Submission:

Labcorp Genetics (formerly Invitae), Labcorp
Classification: Pathogenic. Last evaluated: 2024-01-02. Review status: criteria provided, single submitter. Criteria: Invitae Variant Classification Sherloc (09022015). Collection method: clinical testing. Allele origin: germline.
Comment: This sequence change creates a premature translational stop signal (p.Gln109*) in the NIPAL4 gene. It is expected to result in an absent or disrupted protein product. Loss-of-function variants in NIPAL4 are known to be pathogenic (PMID: 15317751, 17557927). This variant is not present in population databases (gnomAD no frequency). This variant has not been reported in the literature in individuals affected with NIPAL4-related conditions. For these reasons, this variant has been classified as Pathogenic.

Literature cited by the submitters: PubMed 15317751; PubMed 17557927.